The following is an entry in ClinVar:

ClinVar aggregate classification (germline): Uncertain significance. Review status: criteria provided, multiple submitters, no conflicts (2 of 4 stars). 4 submissions from 4 submitters: Uncertain significance (3). 1 of the submissions does not count toward it. Last evaluated 2025-03-31.

Conditions:
Usher syndrome type 1B (USH1B). Also called: Usher syndrome type IB. Identifiers: MedGen C1848638, MONDO:0700087.

Allele frequency attached by ClinVar (database versions not stated): TOPMed 0.00002.
gnomAD v4.1: 6 of 1,576,212 alleles (0.00038%); highest among the groups gnomAD compares: Admixed American, 0.0037%; no homozygotes.

Submissions (4):

Labcorp Genetics (formerly Invitae), Labcorp
Classification: Uncertain significance. Last evaluated: 2025-03-31. Review status: criteria provided, single submitter. Criteria: Invitae Variant Classification Sherloc (09022015). Collection method: clinical testing. Allele origin: germline.
Comment: This sequence change replaces arginine, which is basic and polar, with leucine, which is neutral and non-polar, at codon 906 of the MYO7A protein (p.Arg906Leu). The frequency data for this variant in the population databases is considered unreliable, as metrics indicate poor data quality at this position in the gnomAD database. This variant has not been reported in the literature in individuals affected with MYO7A-related conditions. ClinVar contains an entry for this variant (Variation ID: 856313). Invitae Evidence Modeling of protein sequence and biophysical properties (such as structural, functional, and spatial information, amino acid conservation, physicochemical variation, residue mobility, and thermodynamic stability) indicates that this missense variant is not expected to disrupt MYO7A protein function with a negative predictive value of 95%. In summary, the available evidence is currently insufficient to determine the role of this variant in disease. Therefore, it has been classified as a Variant of Uncertain Significance.

Blueprint Genetics
Classification: Uncertain significance. Last evaluated: 2024-05-15. Review status: criteria provided, single submitter. Criteria: ACMG Guidelines, 2015. Collection method: clinical testing. Allele origin: germline.

GeneDx
Classification: Uncertain significance. Last evaluated: 2021-06-29. Review status: criteria provided, single submitter. Criteria: GeneDx Variant Classification Process June 2021. Collection method: clinical testing. Allele origin: germline. Affected: yes.
Comment: In silico analysis supports that this missense variant has a deleterious effect on protein structure/function; Has not been previously published as pathogenic or benign to our knowledge; This variant is associated with the following publications: (PMID: 27535533)

Natera, Inc.
Classification: Uncertain significance for Usher syndrome type 1B. Last evaluated: 2020-08-17. Review status: no assertion criteria provided. Collection method: clinical testing. Allele origin: germline. Not counted in ClinVar's aggregate classification.

NM_000260.4(MYO7A):c.2717G>T (p.Arg906Leu)

Gene: MYO7A (myosin VIIA; plus strand). Cytogenetic location: 11q13.5.
Variant type: single nucleotide variant.
Coding change: c.2717G>T on transcript NM_000260.4 (MANE Select); coding-DNA position 2717, G replaced by T.
Protein change: p.Arg906Leu; replaces arginine 906 with leucine.
Molecular consequence: missense variant.
Genome position (GRCh38, 1-based): chr11:77,181,402, G>T. VCF-style: chr11-77181402-G-T. GRCh37 (hg19) VCF-style: chr11-76892448-G-T.
Other names: c.2717G>T, p.Arg906Leu (NM_001127180.2); c.2684G>T, p.Arg895Leu (NM_001369365.1); short protein forms R906L, R895L.
Identifiers: ClinVar variation 856313 (VCV000856313.9), dbSNP rs868977760, ClinGen allele CA381942663.
Genomic context (GRCh38, chr11:77,181,402, plus strand): 5'-GCTGACCCCGTGTCTTCTGTGTCACCCCAATTGCCCAGGAGCGCCTGGCCCAGCTGGCTC[G>T]TGAGGACGCTGAGCGGGAGCTGAAGGAGAAGGAGGCCGCTCGGCGGAAGAAGGAGCTCCT-3'
Protein context (NP_000251.3, residues 896-916): KHQERLAQLA[Arg906Leu]EDAERELKEK